The following is an entry in ClinVar:

NM_001166108.2(PALLD):c.2419G>A (p.Glu807Lys)

Genes: CBR4 (carbonyl reductase 4; minus strand), PALLD (palladin, cytoskeletal associated protein; plus strand). Cytogenetic location: 4q32.3.
Variant type: single nucleotide variant.
Coding change: c.2419G>A on transcript NM_001166108.2 (MANE Select); coding-DNA position 2419, G replaced by A.
Protein change: p.Glu807Lys; replaces glutamic acid 807 with lysine.
Molecular consequence: missense variant.
Genome position (GRCh38, 1-based): chr4:168,898,661, G>A. VCF-style: chr4-168898661-G-A. GRCh37 (hg19) VCF-style: chr4-169819812-G-A.
Other names: c.1222G>A, p.Glu408Lys (NM_001166109.2); c.907G>A, p.Glu303Lys (NM_001166110.2); c.247G>A, p.Glu83Lys (NM_001367567.1, NM_001367569.1); c.298G>A, p.Glu100Lys (NM_001367568.1, NM_001367570.1); c.2368G>A, p.Glu790Lys (NM_016081.4); short protein forms E408K, E790K, E303K, E807K, E100K, E83K.
Identifiers: ClinVar variation 3413700 (VCV003413700.1).
Genomic context (GRCh38, chr4:168,898,661, plus strand): 5'-CCTGTGGAAAATGGAATGGCACCATTCTTTGAGATGAAGCTGAAACATTACAAGATCTTT[G>A]AGGGAATGCCAGTAACTTTCACATGTAGAGTGGCTGGAAATCCAAAGCCAAAGGTGAGCT-3'
Protein context (NP_001159580.1, residues 797-817): EMKLKHYKIF[Glu807Lys]GMPVTFTCRV

ClinVar aggregate classification (germline): Uncertain significance (1 of 4 stars; one submission).

Submission:

Ambry Genetics
Classification: Uncertain significance. Last evaluated: 2024-11-23. Review status: criteria provided, single submitter. Criteria: Ambry Variant Classification Scheme 2023. Collection method: clinical testing. Allele origin: germline.
Comment: The p.E303K variant (also known as c.907G>A), located in coding exon 4 of the PALLD gene, results from a G to A substitution at nucleotide position 907. The glutamic acid at codon 303 is replaced by lysine, an amino acid with similar properties. This amino acid position is conserved. In addition, this alteration is predicted to be deleterious by in silico analysis. Based on the available evidence, the clinical significance of this variant remains unclear.